The following is an entry in ClinVar:

NM_001320752.2(STS):c.614A>G (p.His205Arg)

Gene: STS (steroid sulfatase; plus strand). Cytogenetic location: Xp22.31.
Variant type: single nucleotide variant.
Coding change: c.614A>G on transcript NM_001320752.2 (MANE Select); coding-DNA position 614, A replaced by G.
Protein change: p.His205Arg; replaces histidine 205 with arginine.
Molecular consequence: missense variant.
Genome position (GRCh38, 1-based): chrX:7,259,580, A>G. VCF-style: chrX-7259580-A-G. GRCh37 (hg19) VCF-style: chrX-7177621-A-G.
Other names: c.614A>G, p.His205Arg (NM_000351.7, NM_001320753.2, NM_001320754.2); c.650A>G, p.His217Arg (NM_001320750.3, NM_001320751.2); short protein forms H205R, H217R.
Identifiers: ClinVar variation 3896369 (VCV003896369.2).

ClinVar aggregate classification (germline): Uncertain significance (1 of 4 stars; one submission).

gnomAD v4.1: 1 of 1,210,993 alleles (0.000083%); highest among the groups gnomAD compares: Non-Finnish European, 0.00011%; no homozygotes.

Submission:

Women's Health and Genetics/Laboratory Corporation of America, LabCorp
Classification: Uncertain significance. Last evaluated: 2025-04-09. Review status: criteria provided, single submitter. Criteria: LabCorp Variant Classification Summary - May 2015. Collection method: clinical testing. Allele origin: germline.
Comment: Variant summary: STS c.614A>G (p.His205Arg) results in a non-conservative amino acid change in the encoded protein sequence. Three of four in-silico tools predict a benign effect of the variant on protein function. The variant was absent in 183396 control chromosomes. The available data on variant occurrences in the general population are insufficient to allow any conclusion about variant significance. To our knowledge, no occurrence of c.614A>G in individuals affected with X-Linked Ichthyosis With Steryl-Sulfatase Deficiency and no experimental evidence demonstrating its impact on protein function have been reported. No submitters have cited clinical-significance assessments for this variant to ClinVar. Based on the evidence outlined above, the variant was classified as uncertain significance.